The following is an entry in ClinVar:

NM_001909.5(CTSD):c.704+233G>A

Gene: CTSD (cathepsin D; minus strand). Cytogenetic location: 11p15.5.
Variant type: single nucleotide variant.
Coding change: c.704+233G>A on transcript NM_001909.5 (MANE Select); 233 bases into the intron after coding-DNA position 704, G replaced by A.
Molecular consequence: intron variant.
Genome position (GRCh38, 1-based): chr11:1,757,091, C>T on the plus strand (G>A on the coding strand, the complement: CTSD is on the minus strand). VCF-style: chr11-1757091-C-T. GRCh37 (hg19) VCF-style: chr11-1778321-C-T.
Identifiers: ClinVar variation 679265 (VCV000679265.1), dbSNP rs2292962, ClinGen allele CA13435560.

ClinVar aggregate classification (germline): Benign (1 of 4 stars; one submission).

Allele frequency attached by ClinVar (database versions not stated): gnomAD 0.14572 and 0.14626; TOPMed 0.15438; 1000 Genomes Project 0.16613; 1000 Genomes Project 30x 0.16864.
gnomAD v4.1: 22,216 of 152,242 alleles (15%); highest among the groups gnomAD compares: Middle Eastern, 20%; 1,744 homozygotes.

Submission:

GeneDx
Classification: Benign. Last evaluated: 2018-06-14. Review status: criteria provided, single submitter. Criteria: GeneDx Variant Classification (06012015). Collection method: clinical testing. Allele origin: germline. Affected: yes.
Comment: This variant is considered likely benign or benign based on one or more of the following criteria: it is a conservative change, it occurs at a poorly conserved position in the protein, it is predicted to be benign by multiple in silico algorithms, and/or has population frequency not consistent with disease.